The following is an entry in ClinVar:

ClinVar aggregate classification (germline): Uncertain significance (1 of 4 stars; one submission).

Conditions:
Alzheimer disease 4 (AD4). Identifiers: Orphanet 1020, MedGen C1847200, MONDO:0011743, OMIM 606889.

Submission:

Labcorp Genetics (formerly Invitae), Labcorp
Classification: Uncertain significance for Alzheimer disease 4. Last evaluated: 2025-01-08. Review status: criteria provided, single submitter. Criteria: Invitae Variant Classification Sherloc (09022015). Collection method: clinical testing. Allele origin: germline.
Comment: This sequence change replaces glycine, which is neutral and non-polar, with valine, which is neutral and non-polar, at codon 34 of the PSEN2 protein (p.Gly34Val). This variant is not present in population databases (gnomAD no frequency). This variant has not been reported in the literature in individuals affected with PSEN2-related conditions. Invitae Evidence Modeling of protein sequence and biophysical properties (such as structural, functional, and spatial information, amino acid conservation, physicochemical variation, residue mobility, and thermodynamic stability) indicates that this missense variant is not expected to disrupt PSEN2 protein function with a negative predictive value of 80%. In summary, the available evidence is currently insufficient to determine the role of this variant in disease. Therefore, it has been classified as a Variant of Uncertain Significance.

NM_000447.3(PSEN2):c.101G>T (p.Gly34Val)

Gene: PSEN2 (presenilin 2; plus strand). Cytogenetic location: 1q42.13.
Variant type: single nucleotide variant.
Coding change: c.101G>T on transcript NM_000447.3 (MANE Select); coding-DNA position 101, G replaced by T.
Protein change: p.Gly34Val; replaces glycine 34 with valine.
Molecular consequence: missense variant.
Genome position (GRCh38, 1-based): chr1:226,882,008, G>T. VCF-style: chr1-226882008-G-T. GRCh37 (hg19) VCF-style: chr1-227069709-G-T.
Other names: c.101G>T, p.Gly34Val (NM_012486.3); short protein forms G34V.
Identifiers: ClinVar variation 3675772 (VCV003675772.2).